The following is an entry in ClinVar:

NM_000088.4(COL1A1):c.863A>C (p.Glu288Ala)

Genes: COL1A1 (collagen type I alpha 1 chain; minus strand), LOC126862586 (CDK7 strongly-dependent group 2 enhancer GRCh37_chr17:48273702-48274901; plus strand). Cytogenetic location: 17q21.33.
Variant type: single nucleotide variant.
Coding change: c.863A>C on transcript NM_000088.4 (MANE Select); coding-DNA position 863, A replaced by C.
Protein change: p.Glu288Ala; replaces glutamic acid 288 with alanine.
Molecular consequence: missense variant.
Genome position (GRCh38, 1-based): chr17:50,196,524, T>G on the plus strand (A>C on the coding strand, the complement: COL1A1 is on the minus strand). VCF-style: chr17-50196524-T-G. GRCh37 (hg19) VCF-style: chr17-48273885-T-G.
Other names: short protein forms E288A.
Identifiers: ClinVar variation 4710414 (VCV004710414.1).

ClinVar aggregate classification (germline): Uncertain significance (1 of 4 stars; one submission).

Conditions:
Osteogenesis imperfecta type I (OI1). Also called: OI, TYPE I; OSTEOGENESIS IMPERFECTA TARDA; OSTEOGENESIS IMPERFECTA WITH BLUE SCLERAE; Osteogenesis imperfecta type 1; Classic Non-deforming Osteogenesis Imperfecta with Blue Sclerae; Lobstein's Disease. Identifiers: Orphanet 216796, Orphanet 666, MedGen C0023931, MONDO:0008146, OMIM 166200. Disease mechanism: loss of function.

Submission:

Labcorp Genetics (formerly Invitae), Labcorp
Classification: Uncertain significance for Osteogenesis imperfecta type I. Last evaluated: 2025-07-09. Review status: criteria provided, single submitter. Criteria: Invitae Variant Classification Sherloc (09022015). Collection method: clinical testing. Allele origin: germline.
Comment: This sequence change replaces glutamic acid, which is acidic and polar, with alanine, which is neutral and non-polar, at codon 288 of the COL1A1 protein (p.Glu288Ala). This variant is not present in population databases (gnomAD no frequency). This missense change has been observed in individual(s) with osteogenesis imperfecta (PMID: 18996919). Invitae Evidence Modeling of protein sequence and biophysical properties (such as structural, functional, and spatial information, amino acid conservation, physicochemical variation, residue mobility, and thermodynamic stability) indicates that this missense variant is expected to disrupt COL1A1 protein function with a positive predictive value of 80%. In summary, the available evidence is currently insufficient to determine the role of this variant in disease. Therefore, it has been classified as a Variant of Uncertain Significance.

Literature cited by the submitters: PubMed 18996919.